The following is an entry in ClinVar:

NM_025144.4(ALPK1):c.1573A>G (p.Lys525Glu)

Gene: ALPK1 (alpha kinase 1; plus strand). Cytogenetic location: 4q25.
Variant type: single nucleotide variant.
Coding change: c.1573A>G on transcript NM_025144.4 (MANE Select); coding-DNA position 1573, A replaced by G.
Protein change: p.Lys525Glu; replaces lysine 525 with glutamic acid.
Molecular consequence: missense variant.
Genome position (GRCh38, 1-based): chr4:112,431,120, A>G. VCF-style: chr4-112431120-A-G. GRCh37 (hg19) VCF-style: chr4-113352276-A-G.
Other names: c.1573A>G, p.Lys525Glu (NM_001102406.2); c.1339A>G, p.Lys447Glu (NM_001253884.2); short protein forms K525E, K447E.
Identifiers: ClinVar variation 4751217 (VCV004751217.1).

ClinVar aggregate classification (germline): Uncertain significance (1 of 4 stars; one submission).

gnomAD v4.1: 1 of 1,614,206 alleles (0.000062%); highest among the groups gnomAD compares: Middle Eastern, 0.016%; no homozygotes.

Submission:

Labcorp Genetics (formerly Invitae), Labcorp
Classification: Uncertain significance. Last evaluated: 2026-01-06. Review status: criteria provided, single submitter. Criteria: Invitae Variant Classification Sherloc (09022015). Collection method: clinical testing. Allele origin: germline.
Comment: This sequence change replaces lysine, which is basic and polar, with glutamic acid, which is acidic and polar, at codon 525 of the ALPK1 protein (p.Lys525Glu). This variant is present in population databases (no rsID available, gnomAD 0.0009%). This variant has not been reported in the literature in individuals affected with ALPK1-related conditions. Invitae Evidence Modeling of protein sequence and biophysical properties (such as structural, functional, and spatial information, amino acid conservation, physicochemical variation, residue mobility, and thermodynamic stability) indicates that this missense variant is not expected to disrupt ALPK1 protein function with a negative predictive value of 80%. In summary, the available evidence is currently insufficient to determine the role of this variant in disease. Therefore, it has been classified as a Variant of Uncertain Significance.